The following is an entry in ClinVar:

ClinVar aggregate classification (germline): Conflicting classifications of pathogenicity. Review status: criteria provided, conflicting classifications (1 of 4 stars). 16 submissions from 12 submitters: Uncertain significance (2); Benign (6); Likely benign (4). 4 of the submissions do not count toward it. Last evaluated 2026-09-01.

Conditions:
Nephronophthisis. Also called: Juvenile Nephronophthisis. Identifiers: Orphanet 655, MedGen C0687120, MONDO:0019005, HP:0000090.
Meckel-Gruber syndrome. Also called: DYSENCEPHALIA SPLANCHNOCYSTICA; GRUBER SYNDROME; Dysencephalia splachnocystica. Identifiers: Orphanet 564, MedGen C0265215, MONDO:0018921.
Joubert syndrome. Also called: Familial aplasia of the vermis; JOUBERT-BOLTSHAUSER SYNDROME. Identifiers: Orphanet 475, MedGen C5979921, MONDO:0018772.
Meckel syndrome, type 4 (MKS4). Also called: MECKEL-GRUBER SYNDROME, TYPE 4. Identifiers: Orphanet 564, MedGen C1970161, MONDO:0012626, OMIM 611134.
Leber congenital amaurosis (LCA). Also called: Leber's amaurosis. Identifiers: Orphanet 65, MedGen C0339527, MeSH D057130, MONDO:0018998.
Bardet-Biedl syndrome 14 (BBS14). Identifiers: Orphanet 110, MedGen C2673874, MONDO:0014442, OMIM 615991.
Joubert syndrome 5 (JBTS5). Identifiers: Orphanet 2318, MedGen C1857780, MONDO:0012432, OMIM 610188.
Senior-Loken syndrome 6 (SLSN6). Identifiers: Orphanet 3156, MedGen C1857779, MONDO:0012433, OMIM 610189.
Leber congenital amaurosis 10 (LCA10). Identifiers: Orphanet 65, MedGen C1857821, MONDO:0012723, OMIM 611755.

Allele frequency attached by ClinVar (database versions not stated): gnomAD exomes 0.00040 and 0.00113; ExAC 0.00186; gnomAD 0.00434 and 0.00463; ESP Exome Variant Server 0.00447; TOPMed 0.00457; 1000 Genomes Project 0.00519; 1000 Genomes Project 30x 0.00609.
gnomAD v4.1: 1,266 of 1,580,456 alleles (0.08%); highest among the groups gnomAD compares: African/African-American, 1.5%; 8 homozygotes.

Submissions (17):

CeGaT Center for Human Genetics Tuebingen
Classification: Likely benign. Last evaluated: 2026-09-01. Review status: criteria provided, single submitter. Criteria: CeGaT Center For Human Genetics Tuebingen Variant Classification Criteria Version 2. Collection method: clinical testing. Allele origin: germline. Affected: yes. Observed: 7 variant alleles.
Comment: CEP290: BP4, BS1

Labcorp Genetics (formerly Invitae), Labcorp
Classification: Benign for Joubert syndrome; Meckel-Gruber syndrome; Nephronophthisis. Last evaluated: 2026-02-01. Review status: criteria provided, single submitter. Criteria: Invitae Variant Classification Sherloc (09022015). Collection method: clinical testing. Allele origin: germline.

Blueprint Genetics
Classification: Likely benign. Last evaluated: 2024-09-23. Review status: criteria provided, single submitter. Criteria: ACMG Guidelines, 2015. Collection method: clinical testing. Allele origin: germline.

GeneDx
Classification: Benign. Last evaluated: 2018-10-01. Review status: criteria provided, single submitter. Criteria: GeneDx Variant Classification Process June 2021. Collection method: clinical testing. Allele origin: germline. Affected: yes.
Comment: This variant is associated with the following publications: (PMID: 26659599)

Illumina Laboratory Services, Illumina
Classification: Uncertain significance for Leber congenital amaurosis 10. Last evaluated: 2018-01-13. Review status: criteria provided, single submitter. Criteria: ICSL Variant Classification Criteria 13 December 2019. Collection method: clinical testing. Allele origin: germline.

Illumina Laboratory Services, Illumina
Classification: Benign for Senior-Loken syndrome 6. Last evaluated: 2018-01-13. Review status: criteria provided, single submitter. Criteria: ICSL Variant Classification Criteria 13 December 2019. Collection method: clinical testing. Allele origin: germline.
Comment: This variant was observed in the ICSL laboratory as part of a predisposition screen in an ostensibly healthy population. It had not been previously curated by ICSL or reported in the Human Gene Mutation Database (HGMD: prior to June 1st, 2018), and was therefore a candidate for classification through an automated scoring system. Utilizing variant allele frequency, disease prevalence and penetrance estimates, and inheritance mode, an automated score was calculated to assess if this variant is too frequent to cause the disease. Based on the score and internal cut-off values, a variant classified as benign is not then subjected to further curation. The score for this variant resulted in a classification of benign for this disease.

Illumina Laboratory Services, Illumina
Classification: Benign for Bardet-Biedl syndrome 14. Last evaluated: 2018-01-13. Review status: criteria provided, single submitter. Criteria: ICSL Variant Classification Criteria 13 December 2019. Collection method: clinical testing. Allele origin: germline.
Comment: the same text as in the submission from Illumina Laboratory Services, Illumina above.

Illumina Laboratory Services, Illumina
Classification: Benign for Joubert syndrome 5. Last evaluated: 2018-01-13. Review status: criteria provided, single submitter. Criteria: ICSL Variant Classification Criteria 13 December 2019. Collection method: clinical testing. Allele origin: germline.
Comment: the same text as in the submission from Illumina Laboratory Services, Illumina above.

Illumina Laboratory Services, Illumina
Classification: Uncertain significance for Meckel syndrome, type 4. Last evaluated: 2018-01-13. Review status: criteria provided, single submitter. Criteria: ICSL Variant Classification Criteria 13 December 2019. Collection method: clinical testing. Allele origin: germline.

Center for Pediatric Genomic Medicine, Children's Mercy Hospital and Clinics
Classification: Likely benign. Last evaluated: 2017-04-19. Review status: criteria provided, single submitter. Criteria: ACMG Guidelines, 2015. Collection method: clinical testing. Allele origin: germline.

Eurofins Ntd Llc (ga)
Classification: Benign. Last evaluated: 2015-11-09. Review status: criteria provided, single submitter. Criteria: EGL Classification Definitions 2015. Collection method: clinical testing. Allele origin: germline. Observed: 1 variant allele, 1 heterozygote.

PreventionGenetics, part of Exact Sciences
Classification: Likely benign. Review status: criteria provided, single submitter. Criteria: ACMG Guidelines, 2015. Collection method: clinical testing. Allele origin: germline.

Natera, Inc.
Classification: Benign for Leber congenital amaurosis. Last evaluated: 2019-10-18. Review status: no assertion criteria provided. Collection method: clinical testing. Allele origin: germline. Not counted in ClinVar's aggregate classification.

Clinical Genetics DNA and cytogenetics Diagnostics Lab, Erasmus MC, Erasmus Medical Center
Classification: Benign. Review status: no assertion criteria provided. Collection method: clinical testing. Allele origin: germline. Affected: yes. Study: VKGL Data-share Consensus. Not counted in ClinVar's aggregate classification.

Clinical Genetics, Academic Medical Center
Classification: Benign. Review status: no assertion criteria provided. Collection method: clinical testing. Allele origin: germline. Affected: yes. Study: VKGL Data-share Consensus. Not counted in ClinVar's aggregate classification.

Dr. Peter K. Rogan Lab, Western University
No classification provided (evidence only). Condition: Hepatocellular carcinoma. Review status: no classification provided. Collection method: in vitro. Allele origin: not applicable. Functional consequence: retained intron. Not counted in ClinVar's aggregate classification.

Genome Diagnostics Laboratory, University Medical Center Utrecht
Classification: Benign. Review status: no assertion criteria provided. Collection method: clinical testing. Allele origin: germline. Affected: yes. Study: VKGL Data-share Consensus. Not counted in ClinVar's aggregate classification.

NM_025114.4(CEP290):c.5506A>G (p.Ile1836Val)

Gene: CEP290 (centrosomal protein 290; minus strand). Cytogenetic location: 12q21.32.
Variant type: single nucleotide variant.
Coding change: c.5506A>G on transcript NM_025114.4 (MANE Select); coding-DNA position 5506, A replaced by G.
Protein change: p.Ile1836Val; replaces isoleucine 1836 with valine.
Molecular consequence: missense variant.
Genome position (GRCh38, 1-based): chr12:88,077,777, T>C on the plus strand (A>G on the coding strand, the complement: CEP290 is on the minus strand). VCF-style: chr12-88077777-T-C. GRCh37 (hg19) VCF-style: chr12-88471554-T-C.
Other names: short protein forms I1836V.
Identifiers: ClinVar variation 261849 (VCV000261849.54), dbSNP rs11104729, ClinGen allele CA6711707.
Genomic context (GRCh38, chr12:88,077,777, plus strand): 5'-TTTTAATTTGCCTTTTCAGTTCATCATTCTCTTGATCAATTTCCTCTTTCTCTCTAAGTA[T>C]TTTATTATAGGCTTTTTGTTTCTTTTGCAGTTCATTATTTAAGTCATTCAAATTATCAGT-3'
Protein context (NP_079390.3, residues 1826-1846): LQKKQKAYNK[Ile1836Val]LREKEEIDQE